The following is an entry in ClinVar:

ClinVar aggregate classification (germline): Pathogenic (1 of 4 stars; one submission).

Conditions:
Rafiq syndrome (RAFQS). Identifiers: Orphanet 88616, MedGen C3280127, MONDO:0013624, OMIM 614202.

Submission:

Labcorp Genetics (formerly Invitae), Labcorp
Classification: Pathogenic for Rafiq syndrome. Last evaluated: 2023-01-17. Review status: criteria provided, single submitter. Criteria: Invitae Variant Classification Sherloc (09022015). Collection method: clinical testing. Allele origin: germline.
Comment: For these reasons, this variant has been classified as Pathogenic. This variant has not been reported in the literature in individuals affected with MAN1B1-related conditions. This variant is not present in population databases (gnomAD no frequency). This sequence change creates a premature translational stop signal (p.Tyr466*) in the MAN1B1 gene. It is expected to result in an absent or disrupted protein product. Loss-of-function variants in MAN1B1 are known to be pathogenic (PMID: 24566669).

Literature cited by the submitters: PubMed 24566669.

NM_016219.5(MAN1B1):c.1397_1398del (p.Tyr465_Tyr466insTer)

Gene: MAN1B1 (mannosidase alpha class 1B member 1; plus strand). Cytogenetic location: 9q34.3.
Variant type: Deletion.
Coding change: c.1397_1398del on transcript NM_016219.5 (MANE Select); coding-DNA positions 1397 to 1398, 2 bases deleted (AT; older notation c.1397_1398delAT).
Protein change: p.Tyr465_Tyr466insTer.
Molecular consequence: nonsense. On other transcripts: frameshift variant (1), non-coding transcript variant (2).
Genome position (GRCh38, 1-based): chr9:137,106,267-137,106,268, AT deleted; deleting any 2 consecutive bases within chr9:137,106,266-137,106,268 gives the same sequence; the c. name uses the placement nearest the transcript's 3' end. VCF-style (leftmost placement, unchanged base first): chr9-137106265-CTA-C. GRCh37 (hg19) VCF-style: chr9-140000717-CTA-C.
Other names: c.1289_1290delAT, p.Tyr430Terfs (NM_007230.1).
Identifiers: ClinVar variation 3014905 (VCV003014905.3), dbSNP rs1243024601, ClinGen allele CA375655705.
Genomic context (GRCh38, chr9:137,106,265, plus strand): 5'-CCACAGTGGCCTCTTCACCCACCTGGGCGTATTCACGCTGGGCGCCAGGGCCGACAGCTA[CTA>C]TGAGTACCTGCTGAAGCAGTGGATCCAGGGCGGGAAGCAGGAGACACAGTGAGGCCCGGC-3'